The following is an entry in ClinVar:

NM_198525.3(KIF7):c.1287G>T (p.Glu429Asp)

Gene: KIF7 (kinesin family member 7; minus strand). Cytogenetic location: 15q26.1.
Variant type: single nucleotide variant.
Coding change: c.1287G>T on transcript NM_198525.3 (MANE Select); coding-DNA position 1287, G replaced by T.
Protein change: p.Glu429Asp; replaces glutamic acid 429 with aspartic acid.
Molecular consequence: missense variant.
Genome position (GRCh38, 1-based): chr15:89,648,411, C>A on the plus strand (G>T on the coding strand, the complement: KIF7 is on the minus strand). VCF-style: chr15-89648411-C-A. GRCh37 (hg19) VCF-style: chr15-90191642-C-A.
Other names: short protein forms E429D.
Identifiers: ClinVar variation 1439322 (VCV001439322.8), dbSNP rs1297297468, ClinGen allele CA393771374.

ClinVar aggregate classification (germline): Uncertain significance. Review status: criteria provided, multiple submitters, no conflicts (2 of 4 stars). 2 submissions from 2 submitters: Uncertain significance (2). Last evaluated 2024-05-29.

Conditions:
Acrocallosal syndrome (ACLS). Also called: HALLUX DUPLICATION, POSTAXIAL POLYDACTYLY, AND ABSENCE OF CORPUS CALLOSUM; Schinzel syndrome 1; Absence of corpus callosum with unusual facial appearance, mental deficiency, duplication of the halluces and polydactyly. Identifiers: Orphanet 36, MedGen C0796147, MONDO:0008708, OMIM 200990.
Hydrolethalus syndrome 2 (HLS2). Identifiers: Orphanet 2189, MedGen C3279899, MONDO:0013585, OMIM 614120.
Multiple epiphyseal dysplasia, Al-Gazali type. Also called: Macrocephaly with multiple epiphyseal dysplasia and distinctive facies. Identifiers: Orphanet 166024, MedGen C1846722, MONDO:0011778, OMIM 607131.

Allele frequency attached by ClinVar (database versions not stated): gnomAD 0.00001; TOPMed 0.00001; gnomAD exomes 0.00004.

Submissions (2):

Labcorp Genetics (formerly Invitae), Labcorp
Classification: Uncertain significance for Acrocallosal syndrome. Last evaluated: 2024-05-29. Review status: criteria provided, single submitter. Criteria: Invitae Variant Classification Sherloc (09022015). Collection method: clinical testing. Allele origin: germline.
Comment: This sequence change replaces glutamic acid, which is acidic and polar, with aspartic acid, which is acidic and polar, at codon 429 of the KIF7 protein (p.Glu429Asp). This variant is not present in population databases (gnomAD no frequency). This variant has not been reported in the literature in individuals affected with KIF7-related conditions. ClinVar contains an entry for this variant (Variation ID: 1439322). Advanced modeling of protein sequence and biophysical properties (such as structural, functional, and spatial information, amino acid conservation, physicochemical variation, residue mobility, and thermodynamic stability) performed at Invitae indicates that this missense variant is not expected to disrupt KIF7 protein function with a negative predictive value of 80%. In summary, the available evidence is currently insufficient to determine the role of this variant in disease. Therefore, it has been classified as a Variant of Uncertain Significance.

Fulgent Genetics
Classification: Uncertain significance for Acrocallosal syndrome; Multiple epiphyseal dysplasia, Al-Gazali type; Hydrolethalus syndrome 2. Last evaluated: 2024-04-29. Review status: criteria provided, single submitter. Criteria: ACMG Guidelines, 2015. Collection method: clinical testing. Allele origin: germline.